The following is an entry in ClinVar:

NM_020937.4(FANCM):c.134C>G (p.Ala45Gly)

Gene: FANCM (FA complementation group M; plus strand). Cytogenetic location: 14q21.2.
Variant type: single nucleotide variant.
Coding change: c.134C>G on transcript NM_020937.4 (MANE Select); coding-DNA position 134, C replaced by G.
Protein change: p.Ala45Gly; replaces alanine 45 with glycine.
Molecular consequence: missense variant.
Genome position (GRCh38, 1-based): chr14:45,136,165, C>G. VCF-style: chr14-45136165-C-G. GRCh37 (hg19) VCF-style: chr14-45605368-C-G.
Other names: c.134C>G, p.Ala45Gly (NM_001308133.2, NM_001308134.2); short protein forms A45G.
Identifiers: ClinVar variation 4844565 (VCV004844565.1).

ClinVar aggregate classification (germline): Uncertain significance (1 of 4 stars; one submission).

Conditions:
Inborn genetic diseases. Identifiers: MedGen C0950123, MeSH D030342.

Submission:

Ambry Genetics
Classification: Uncertain significance for Inborn genetic diseases. Last evaluated: 2026-02-16. Review status: criteria provided, single submitter. Criteria: Ambry Variant Classification Scheme 2023. Collection method: clinical testing. Allele origin: germline.
Comment: The p.A45G variant (also known as c.134C>G), located in coding exon 1 of the FANCM gene, results from a C to G substitution at nucleotide position 134. The alanine at codon 45 is replaced by glycine, an amino acid with similar properties. This amino acid position is conserved. In addition, this alteration is predicted to be tolerated by in silico analysis. Based on the available evidence, the clinical significance of this variant remains unclear.